The following is an entry in ClinVar:

ClinVar aggregate classification (germline): Uncertain significance. Review status: criteria provided, multiple submitters, no conflicts (2 of 4 stars). 3 submissions from 3 submitters: Uncertain significance (3). Last evaluated 2021-03-17.

Conditions:
Nemaline myopathy 10 (NEM10). Identifiers: MedGen C4015360, MONDO:0014513, OMIM 616165.

Allele frequency attached by ClinVar (database versions not stated): gnomAD exomes below 0.00001 and 0.00002; gnomAD 0.00001 and 0.00003; TOPMed 0.00001.
gnomAD v4.1: 31 of 1,613,478 alleles (0.0019%); highest among the groups gnomAD compares: East Asian, 0.0045%; no homozygotes.

Submissions (3):

Labcorp Genetics (formerly Invitae), Labcorp
Classification: Uncertain significance for Nemaline myopathy 10. Last evaluated: 2021-03-17. Review status: criteria provided, single submitter. Criteria: Invitae Variant Classification Sherloc (09022015). Collection method: clinical testing. Allele origin: germline.
Comment: In summary, the available evidence is currently insufficient to determine the role of this variant in disease. Therefore, it has been classified as a Variant of Uncertain Significance. Algorithms developed to predict the effect of missense changes on protein structure and function output the following: SIFT: "Deleterious"; PolyPhen-2: "Benign"; Align-GVGD: "Class C0". The asparagine amino acid residue is found in multiple mammalian species, suggesting that this missense change does not adversely affect protein function. These predictions have not been confirmed by published functional studies and their clinical significance is uncertain. This variant has not been reported in the literature in individuals with LMOD3-related conditions. This variant is not present in population databases (ExAC no frequency). This sequence change replaces aspartic acid with asparagine at codon 56 of the LMOD3 protein (p.Asp56Asn). The aspartic acid residue is highly conserved and there is a small physicochemical difference between aspartic acid and asparagine.

Victorian Clinical Genetics Services, Murdoch Childrens Research Institute
Classification: Uncertain significance for Nemaline myopathy 10. Last evaluated: 2020-10-19. Review status: criteria provided, single submitter. Criteria: ACMG Guidelines, 2015. Collection method: clinical testing. Allele origin: germline. Inheritance: Autosomal recessive inheritance.
Comment: A heterozygous missense variant was identified, NM_198271.4(LMOD3):c.166G>A in exon 1 of 3 of the LMOD3 gene. This substitution is predicted to create a minor amino acid change from aspartic acid to asparagine at position 56 of the protein, NP_938012.2(LMOD3):p.(Asp56Asn). The aspartic acid at this position has low conservation (100 vertebrates, UCSC), but is located within the tropomodulin domain. In silico software predictions of the pathogenicity of this variant are conflicting (Polyphen, SIFT, CADD, Mutation Taster). The variant is present in the gnomAD population database at a frequency of 0.00040% (1 heterozygote). The variant has not been previously reported in a clinical testing setting. Based on information available at the time of curation, this variant has been classified as a VARIANT of UNCERTAIN SIGNIFICANCE (VUS) with LOW CLINICAL RELEVANCE.

Baylor Genetics
Classification: Uncertain significance for Nemaline myopathy 10. Last evaluated: 2018-11-03. Review status: criteria provided, single submitter. Criteria: ACMG Guidelines, 2015. Collection method: clinical testing. Allele origin: unknown. Affected: yes.
Comment: This variant was determined to be of uncertain significance according to ACMG Guidelines, 2015 [PMID:25741868].

NM_198271.5(LMOD3):c.166G>A (p.Asp56Asn)

Genes: LMOD3 (leiomodin 3; minus strand), LOC126806710 (CDK7 strongly-dependent group 2 enhancer GRCh37_chr3:69170601-69171800; plus strand). Cytogenetic location: 3p14.1.
Variant type: single nucleotide variant.
Coding change: c.166G>A on transcript NM_198271.5 (MANE Select); coding-DNA position 166, G replaced by A.
Protein change: p.Asp56Asn; replaces aspartic acid 56 with asparagine.
Molecular consequence: missense variant.
Genome position (GRCh38, 1-based): chr3:69,122,221, C>T on the plus strand (G>A on the coding strand, the complement: LMOD3 is on the minus strand). VCF-style: chr3-69122221-C-T. GRCh37 (hg19) VCF-style: chr3-69171372-C-T.
Other names: c.166G>A, p.Asp56Asn (NM_001304418.3); short protein forms D56N.
Identifiers: ClinVar variation 1032596 (VCV001032596.10), dbSNP rs1469953832, ClinGen allele CA353479229.
Genomic context (GRCh38, chr3:69,122,221, plus strand): 5'-ACATATAATCAACAAGAGATTTATGATTGAAGTTTCCTGTCGGTGGCTTGTCAGTTTGAT[C>T]TTTCTGAATCATTCCCACGGGAAGGCTGGGGTCAGGGGCCATGACTTCCATTTCCGACTG-3'
Protein context (NP_938012.2, residues 46-66): PSLPVGMIQK[Asp56Asn]QTDKPPTGNF